The following is an entry in ClinVar:

NM_000152.5(GAA):c.1115A>T (p.His372Leu)

Gene: GAA (alpha glucosidase; plus strand). Cytogenetic location: 17q25.3.
Variant type: single nucleotide variant.
Coding change: c.1115A>T on transcript NM_000152.5 (MANE Select); coding-DNA position 1115, A replaced by T.
Protein change: p.His372Leu; replaces histidine 372 with leucine.
Molecular consequence: missense variant.
Genome position (GRCh38, 1-based): chr17:80,108,528, A>T. VCF-style: chr17-80108528-A-T. GRCh37 (hg19) VCF-style: chr17-78082327-A-T.
Other names: NM_000152.5(GAA):c.1115A>T; p.His372Leu; c.1115A>T (LRG_673t1); c.1115A>T, p.His372Leu (NM_001079803.3, NM_001079804.3); short protein forms H372L.
Identifiers: ClinVar variation 370483 (VCV000370483.17), dbSNP rs1057516520, ClinGen allele CA16041889.

ClinVar aggregate classification (germline): Likely pathogenic. Review status: reviewed by expert panel (3 of 4 stars). 9 submissions from 9 submitters: Likely pathogenic (1). 8 of the submissions do not count toward it. Last evaluated 2026-04-07.

Conditions:
Glycogen storage disease, type II (IOPD). Also called: GLYCOGENOSIS, GENERALIZED, CARDIAC FORM; Glucosidase acid-1,4-alpha deficiency; Pompe Disease; POMPE DISEASE, INFANTILE-ONSET; GSD II; Glycogen storage disease type 2. Identifiers: Orphanet 365, MedGen C0017921, MONDO:0009290, OMIM 232300.

Allele frequency attached by ClinVar (database versions not stated): gnomAD exomes 0.00001.
gnomAD v4.1: 9 of 1,612,818 alleles (0.00056%); highest among the groups gnomAD compares: Non-Finnish European, 0.00076%; no homozygotes.

Submissions (9):

ClinGen Lysosomal Storage Disorder Variant Curation Expert Panel
Classification: Likely pathogenic for Glycogen storage disease, type II. Last evaluated: 2026-04-07. Review status: reviewed by expert panel. Criteria: clingen_lsd_acmg_specifications_v2-1. Collection method: curation. Allele origin: germline. Inheritance: Autosomal recessive inheritance.
Comment: The NM_000152.5:c.1115A>T variant in GAA is a missense variant predicted to cause substitution of histidine by leucine at amino acid 557 (p.Ile557Phe). Five probands with symptoms consistent with Pompe disease have been reported with this variant (PMID: 15121988, 18607768, 24715333, 28196920, 28394184, 31467850), three with documented deficiency of GAA activity (PMID: 15121988, 24715333, 28196920, 31467850) (PP4_Moderate). Each of these individuals was compound heterozygous for the variant and another variant that has been classified as pathogenic for Pompe disease by the ClinGen LD VCEP, including c.-32-13T>G (ClinVar Variation ID: 4027) (PMID: 18607768, 28196920, 3 patients, max 2 x 0.5 points), c.258dup (ClinVar Variation ID: 282842) (0.5 points, PMID: 31467850), and c.525del (Variation ID: 4033) (0.5 points, PMID: 15121988, 24715333); phase was not confirmed for any of these individuals. Another patient was compound heterozygous for the variant and c.2563G>C (p.Gly855Arg). The allelic data will be used to classify the second variant and is not included here to avoid circular logic. Total 2 points (PM3_Strong). The highest population minor allele frequency for this variant in gnomAD v4.1.0. is 0.000007628 (9/1179890 alleles) in the European (non-Finnish) population, which is lower than the ClinGen Lysosomal Diseases VCEP’s threshold for PM2_Supporting (<0.001), meeting this criterion (PM2_Supporting). Expression of the variant in COS7 or HEK293T cells resulted in evidence of abnormal synthesis and processing on Western blot, indicating that this variant may impact protein function (PMID: 15121988, 24715333) (PS3_Supporting). The computational predictor REVEL gives a score of 0.928 which is above the threshold of 0.7, evidence that correlates with impact to GAA function (PP3). There is a ClinVar entry for this variant (Variation ID: 370483). In summary, this variant meets the criteria to be classified as Likely Pathogenic for Pompe disease. GAA-specific ACMG/AMP criteria met, based on the specifications of the ClinGen Lysosomal Diseases Variant Curation Expert Panel (Specifications Version 2.0): PP4_Moderate, PM2_Supporting, PM3_Strong, PP3, PS3_Supporting. (Classification approved by the ClinGen Lysosomal Diseases Variant Curation Expert Panel on April 7, 2026)

Genomenon, Inc
Classification: Likely pathogenic for Glycogen storage disease, type II. Last evaluated: 2026-07-01. Review status: criteria provided, single submitter. Criteria: Genomenon Sequence Variant Interpretation Standards - Updated. Collection method: curation. Allele origin: germline. Affected: yes. Not counted in ClinVar's aggregate classification.
Comment: GAA p.His372Leu (c.1115A>T) is a missense variant that changes the amino acid at codon 372 from Histidine to Leucine. This variant has been observed in at least one proband with a GAA-related disorder in the compound heterozygous and/or homozygous state (PMID:37087815;37002894;34501319;33972680;32248831;31676142;31467850;30049495;28394184;28196920). It is absent or not present at a significant frequency in gnomAD. In silico models predict that this variant is possibly or probably damaging. In conclusion, we classify GAA p.His372Leu (c.1115A>T) as a likely pathogenic variant.

Revvity Omics, Revvity
Classification: Pathogenic. Last evaluated: 2025-07-07. Review status: criteria provided, single submitter. Criteria: ACMG Guidelines, 2015. Collection method: clinical testing. Allele origin: germline. Not counted in ClinVar's aggregate classification.

Labcorp Genetics (formerly Invitae), Labcorp
Classification: Pathogenic for Glycogen storage disease, type II. Last evaluated: 2025-05-13. Review status: criteria provided, single submitter. Criteria: Invitae Variant Classification Sherloc (09022015). Collection method: clinical testing. Allele origin: germline. Not counted in ClinVar's aggregate classification.
Comment: This sequence change replaces histidine, which is basic and polar, with leucine, which is neutral and non-polar, at codon 372 of the GAA protein (p.His372Leu). This variant is not present in population databases (gnomAD no frequency). This missense change has been observed in individual(s) with Pompe disease (PMID: 15121988, 31467850). ClinVar contains an entry for this variant (Variation ID: 370483). Invitae Evidence Modeling of protein sequence and biophysical properties (such as structural, functional, and spatial information, amino acid conservation, physicochemical variation, residue mobility, and thermodynamic stability) indicates that this missense variant is expected to disrupt GAA protein function with a positive predictive value of 95%. For these reasons, this variant has been classified as Pathogenic.

Baylor Genetics
Classification: Pathogenic for Glycogen storage disease, type II. Last evaluated: 2021-11-01. Review status: criteria provided, single submitter. Criteria: ACMG Guidelines, 2015. Collection method: clinical testing. Allele origin: unknown. Not counted in ClinVar's aggregate classification.

Women's Health and Genetics/Laboratory Corporation of America, LabCorp
Classification: Pathogenic for Glycogen storage disease, type II. Last evaluated: 2019-10-18. Review status: criteria provided, single submitter. Criteria: LabCorp Variant Classification Summary - May 2015. Collection method: clinical testing. Allele origin: germline. Not counted in ClinVar's aggregate classification.
Comment: Variant summary: GAA c.1115A>T (p.His372Leu) results in a non-conservative amino acid change located in the Glycoside hydrolase family 31 domain (IPR000322) of the encoded protein sequence. Five of five in-silico tools predict a damaging effect of the variant on protein function. The variant was absent in 248930 control chromosomes (gnomAD). c.1115A>T has been reported in the literature in individuals affected with Glycogen Storage Disease, Type 2 (Pompe Disease) (VandenHout__2004, Joshi_2008, vanGelder_2014, Chen_2017, Lin_2017, Lee_2019). These data indicate that the variant is likely to be associated with disease. Two publications report this variant has an impact on protein function and results in <10% of normal GAA activity (VandenHout__2004, Lin_2017). One ClinVar submitter (evaluation after 2014) cites the variant as likely pathogenic. Based on the evidence outlined above, the variant was classified as pathogenic.

Counsyl
Classification: Likely pathogenic for Glycogen storage disease, type II. Last evaluated: 2016-02-18. Review status: no assertion criteria provided. Collection method: clinical testing. Allele origin: unknown. Not counted in ClinVar's aggregate classification.

Clinical Genetics DNA and cytogenetics Diagnostics Lab, Erasmus MC, Erasmus Medical Center
Classification: Pathogenic. Review status: no assertion criteria provided. Collection method: clinical testing. Allele origin: germline. Affected: yes. Study: VKGL Data-share Consensus. Not counted in ClinVar's aggregate classification.

Genome Diagnostics Laboratory, University Medical Center Utrecht
Classification: Pathogenic. Review status: no assertion criteria provided. Collection method: clinical testing. Allele origin: germline. Affected: yes. Study: VKGL Data-share Consensus. Not counted in ClinVar's aggregate classification.

Literature cited by the submitters: PubMed 37087815 (cited by Genomenon, Inc); PubMed 37002894 (cited by Genomenon, Inc); PubMed 34501319 (cited by Genomenon, Inc); PubMed 33972680 (cited by Genomenon, Inc); PubMed 32248831 (cited by Genomenon, Inc); PubMed 31676142 (cited by Genomenon, Inc); PubMed 31467850 (cited by 3 submitters); PubMed 30049495 (cited by Genomenon, Inc); PubMed 28394184 (cited by Genomenon, Inc and Women's Health and Genetics/Laboratory Corporation of America, LabCorp); PubMed 28196920 (cited by Genomenon, Inc and Women's Health and Genetics/Laboratory Corporation of America, LabCorp); PubMed 15121988 (cited by 3 submitters); PubMed 24715333 (cited by Women's Health and Genetics/Laboratory Corporation of America, LabCorp); PubMed 18607768 (cited by Women's Health and Genetics/Laboratory Corporation of America, LabCorp and Counsyl); PubMed 20817528 (cited by Counsyl).